The following is an entry in ClinVar:

ClinVar aggregate classification (germline): Uncertain significance (1 of 4 stars; one submission).

Allele frequency attached by ClinVar (database versions not stated): TOPMed below 0.00001; gnomAD 0.00001; gnomAD exomes 0.00001.
gnomAD v4.1: 13 of 1,613,608 alleles (0.00081%); highest among the groups gnomAD compares: Middle Eastern, 0.016%; no homozygotes.

Submission:

Labcorp Genetics (formerly Invitae), Labcorp
Classification: Uncertain significance. Last evaluated: 2024-09-10. Review status: criteria provided, single submitter. Criteria: Invitae Variant Classification Sherloc (09022015). Collection method: clinical testing. Allele origin: germline.
Comment: This sequence change replaces valine, which is neutral and non-polar, with methionine, which is neutral and non-polar, at codon 2022 of the DCHS1 protein (p.Val2022Met). This variant is present in population databases (no rsID available, gnomAD 0.0009%). This variant has not been reported in the literature in individuals affected with DCHS1-related conditions. Invitae Evidence Modeling of protein sequence and biophysical properties (such as structural, functional, and spatial information, amino acid conservation, physicochemical variation, residue mobility, and thermodynamic stability) indicates that this missense variant is not expected to disrupt DCHS1 protein function with a negative predictive value of 80%. In summary, the available evidence is currently insufficient to determine the role of this variant in disease. Therefore, it has been classified as a Variant of Uncertain Significance.

NM_003737.4(DCHS1):c.6064G>A (p.Val2022Met)

Gene: DCHS1 (dachsous cadherin-related 1; minus strand). Cytogenetic location: 11p15.4.
Variant type: single nucleotide variant.
Coding change: c.6064G>A on transcript NM_003737.4 (MANE Select); coding-DNA position 6064, G replaced by A.
Protein change: p.Val2022Met; replaces valine 2022 with methionine.
Molecular consequence: missense variant.
Genome position (GRCh38, 1-based): chr11:6,626,975, C>T on the plus strand (G>A on the coding strand, the complement: DCHS1 is on the minus strand). VCF-style: chr11-6626975-C-T. GRCh37 (hg19) VCF-style: chr11-6648206-C-T.
Other names: short protein forms V2022M.
Identifiers: ClinVar variation 3018400 (VCV003018400.3), dbSNP rs1356648176, ClinGen allele CA379389606.